The following is an entry in ClinVar:

NM_000540.3(RYR1):c.1093G>A (p.Ala365Thr)

Gene: RYR1 (ryanodine receptor 1; plus strand). Cytogenetic location: 19q13.2.
Variant type: single nucleotide variant.
Coding change: c.1093G>A on transcript NM_000540.3 (MANE Select); coding-DNA position 1093, G replaced by A.
Protein change: p.Ala365Thr; replaces alanine 365 with threonine.
Molecular consequence: missense variant.
Genome position (GRCh38, 1-based): chr19:38,448,784, G>A. VCF-style: chr19-38448784-G-A. GRCh37 (hg19) VCF-style: chr19-38939424-G-A.
Other names: c.1093G>A, p.Ala365Thr (NM_001042723.2); short protein forms A365T.
Identifiers: ClinVar variation 3436550 (VCV003436550.3).

ClinVar aggregate classification (germline): Uncertain significance. Review status: criteria provided, multiple submitters, no conflicts (2 of 4 stars). 2 submissions from 2 submitters: Uncertain significance (2). Last evaluated 2026-07-02.

Conditions:
Malignant hyperthermia, susceptibility to, 1 (MHS1). Also called: Malignant hyperthermia suceptibility 1; Anesthesia related hyperthermia; Malignant hyperpyrexia; Fulminating hyperpyrexia; Pharmacogenic myopathy; RYR1-Related Malignant Hyperthermia Susceptibility. Identifiers: Orphanet 423, MedGen C2930980, MONDO:0007783, OMIM 145600.
Inborn genetic diseases. Identifiers: MedGen C0950123, MeSH D030342.

gnomAD v4.1: 2 of 1,614,132 alleles (0.00012%); highest among the groups gnomAD compares: South Asian, 0.0011%; no homozygotes.

Submissions (2):

Ambry Genetics
Classification: Uncertain significance for Inborn genetic diseases. Last evaluated: 2026-07-02. Review status: criteria provided, single submitter. Criteria: Ambry Variant Classification Scheme 2023. Collection method: clinical testing. Allele origin: germline.
Comment: The p.A365T variant (also known as c.1093G>A), located in coding exon 11 of the RYR1 gene, results from a G to A substitution at nucleotide position 1093. The alanine at codon 365 is replaced by threonine, an amino acid with similar properties. This amino acid position is conserved. In addition, this alteration is predicted to be tolerated by in silico analysis. Based on the available evidence, the clinical significance of this variant remains unclear.

Color Diagnostics, LLC DBA Color Health
Classification: Uncertain significance for Malignant hyperthermia, susceptibility to, 1. Last evaluated: 2024-02-20. Review status: criteria provided, single submitter. Criteria: ACMG Guidelines, 2015. Collection method: clinical testing. Allele origin: germline.
Comment: This missense variant replaces alanine with threonine at codon 365 of the RYR1 protein. Computational prediction suggests that this variant may not impact protein structure and function. To our knowledge, functional studies have not been reported for this variant. This variant has not been reported in individuals affected with RYR1-related disorders in the literature. This variant has been identified in 1/251302 chromosomes in the general population by the Genome Aggregation Database (gnomAD). The available evidence is insufficient to determine the role of this variant in disease conclusively. Therefore, this variant is classified as a Variant of Uncertain Significance.